The following is an entry in ClinVar:

NM_006415.4(SPTLC1):c.1028C>T (p.Pro343Leu)

Gene: SPTLC1 (serine palmitoyltransferase long chain base subunit 1; minus strand). Cytogenetic location: 9q22.31.
Variant type: single nucleotide variant.
Coding change: c.1028C>T on transcript NM_006415.4 (MANE Select); coding-DNA position 1028, C replaced by T.
Protein change: p.Pro343Leu; replaces proline 343 with leucine.
Molecular consequence: missense variant.
Genome position (GRCh38, 1-based): chr9:92,047,225, G>A on the plus strand (C>T on the coding strand, the complement: SPTLC1 is on the minus strand). VCF-style: chr9-92047225-G-A. GRCh37 (hg19) VCF-style: chr9-94809507-G-A.
Other names: c.1028C>T, p.Pro343Leu (NM_001281303.2); c.662C>T, p.Pro221Leu (NM_001368272.1); c.563C>T, p.Pro188Leu (NM_001368273.1); short protein forms P188L, P221L, P343L.
Identifiers: ClinVar variation 3667556 (VCV003667556.3).
Genomic context (GRCh38, chr9:92,047,225, plus strand): 5'-GTTATACCTGGATTCTCTTCCATGATGTTGAGGGCCTCAATTGCTGCAGCAGCTAACAGG[G>A]GAGGTAACGAAGCTGAAAAGCAGTATCCCTGGCCGGAAAGTCGCTGAGAAGAAACAAATG-3'
Protein context (NP_006406.1, residues 333-353): QGYCFSASLP[Pro343Leu]LLAAAAIEAL

ClinVar aggregate classification (germline): Uncertain significance. Review status: criteria provided, multiple submitters, no conflicts (2 of 4 stars). 2 submissions from 2 submitters: Uncertain significance (2). Last evaluated 2025-08-01.

Conditions:
Hereditary sensory and autonomic neuropathy type 1 (HSAN1). Also called: HSAN 1; HSN Type I; Hereditary Sensory Neuropathy Type I. Identifiers: Orphanet 36386, MedGen C0020071, MONDO:0018213.
Inborn genetic diseases. Identifiers: MedGen C0950123, MeSH D030342.

gnomAD v4.1: 6 of 1,613,988 alleles (0.00037%); highest among the groups gnomAD compares: African/African-American, 0.008%; no homozygotes.

Submissions (2):

Ambry Genetics
Classification: Uncertain significance for Inborn genetic diseases. Last evaluated: 2025-08-01. Review status: criteria provided, single submitter. Criteria: Ambry Variant Classification Scheme 2023. Collection method: clinical testing. Allele origin: germline.

Labcorp Genetics (formerly Invitae), Labcorp
Classification: Uncertain significance for Hereditary sensory and autonomic neuropathy type 1. Last evaluated: 2024-04-04. Review status: criteria provided, single submitter. Criteria: Invitae Variant Classification Sherloc (09022015). Collection method: clinical testing. Allele origin: germline.
Comment: This sequence change replaces proline, which is neutral and non-polar, with leucine, which is neutral and non-polar, at codon 343 of the SPTLC1 protein (p.Pro343Leu). This variant is present in population databases (rs370414462, gnomAD 0.01%). This variant has not been reported in the literature in individuals affected with SPTLC1-related conditions. Advanced modeling of protein sequence and biophysical properties (such as structural, functional, and spatial information, amino acid conservation, physicochemical variation, residue mobility, and thermodynamic stability) has been performed at Invitae for this missense variant, however the output from this modeling did not meet the statistical confidence thresholds required to predict the impact of this variant on SPTLC1 protein function. In summary, the available evidence is currently insufficient to determine the role of this variant in disease. Therefore, it has been classified as a Variant of Uncertain Significance.